The following is an entry in ClinVar:

NM_001384140.1(PCDH15):c.824G>A (p.Arg275His)

Gene: PCDH15 (protocadherin related 15; minus strand). Cytogenetic location: 10q21.1.
Variant type: single nucleotide variant.
Coding change: c.824G>A on transcript NM_001384140.1 (MANE Select); coding-DNA position 824, G replaced by A.
Protein change: p.Arg275His; replaces arginine 275 with histidine.
Molecular consequence: missense variant.
Genome position (GRCh38, 1-based): chr10:54,317,323, C>T on the plus strand (G>A on the coding strand, the complement: PCDH15 is on the minus strand). VCF-style: chr10-54317323-C-T. GRCh37 (hg19) VCF-style: chr10-56077083-C-T.
Other names: c.824G>A, p.Arg275His (NM_001142772.2, NM_001354411.2, NM_001354420.2 and 7 more transcripts); c.758G>A, p.Arg253His (NM_001142773.2, NM_001354404.2, NM_001142768.2); c.839G>A, p.Arg280His (NM_001142763.2, NM_001142769.4, NM_001142771.2); c.713G>A, p.Arg238His (NM_001142767.2); short protein forms R275H, R280H, R253H, R238H.
Identifiers: ClinVar variation 968341 (VCV000968341.14), dbSNP rs142678284, ClinGen allele CA5506588.

ClinVar aggregate classification (germline): Conflicting classifications of pathogenicity. Review status: criteria provided, conflicting classifications (1 of 4 stars). 5 submissions from 5 submitters: Uncertain significance (2); Likely benign (2). 1 of the submissions does not count toward it. Last evaluated 2025-12-15.

Conditions:
Usher syndrome type 1F (USH1F). Also called: USHER SYNDROME, TYPE IF. Identifiers: Orphanet 231169, Orphanet 886, MedGen C1865885, MONDO:0011186, OMIM 602083.

Allele frequency attached by ClinVar (database versions not stated): ExAC 0.00009; gnomAD exomes 0.00009; 1000 Genomes Project 30x 0.00016; 1000 Genomes Project 0.00020; ESP Exome Variant Server 0.00031; TOPMed 0.00042; gnomAD 0.00046 and 0.00047.
gnomAD v4.1: 135 of 1,613,926 alleles (0.0084%); highest among the groups gnomAD compares: African/African-American, 0.13%; no homozygotes.

Submissions (5):

Labcorp Genetics (formerly Invitae), Labcorp
Classification: Likely benign. Last evaluated: 2025-12-15. Review status: criteria provided, single submitter. Criteria: Invitae Variant Classification Sherloc (09022015). Collection method: clinical testing. Allele origin: germline.

GeneDx
Classification: Uncertain significance. Last evaluated: 2024-10-29. Review status: criteria provided, single submitter. Criteria: GeneDx Variant Classification Process June 2021. Collection method: clinical testing. Allele origin: germline. Affected: yes.
Comment: In silico analysis supports that this missense variant has a deleterious effect on protein structure/function; Has not been previously published as pathogenic or benign to our knowledge

Blueprint Genetics
Classification: Likely benign. Last evaluated: 2024-01-16. Review status: criteria provided, single submitter. Criteria: ACMG Guidelines, 2015. Collection method: clinical testing. Allele origin: germline.

Revvity Omics, Revvity
Classification: Uncertain significance. Last evaluated: 2019-06-01. Review status: criteria provided, single submitter. Criteria: ACMG Guidelines, 2015. Collection method: clinical testing. Allele origin: germline.

Natera, Inc.
Classification: Uncertain significance for Usher syndrome type 1F. Last evaluated: 2020-01-24. Review status: no assertion criteria provided. Collection method: clinical testing. Allele origin: germline. Not counted in ClinVar's aggregate classification.